The following is an entry in ClinVar:

ClinVar aggregate classification (germline): Uncertain significance (1 of 4 stars; one submission).

Conditions:
Long QT syndrome (LQTS). Identifiers: MedGen C0023976, MeSH D008133, MONDO:0002442. Disease mechanism: loss of function. Inheritance: Various modes of inheritance.

Submission:

Labcorp Genetics (formerly Invitae), Labcorp
Classification: Uncertain significance for Long QT syndrome. Last evaluated: 2020-11-17. Review status: criteria provided, single submitter. Criteria: Invitae Variant Classification Sherloc (09022015). Collection method: clinical testing. Allele origin: germline.
Comment: This sequence change replaces phenylalanine with leucine at codon 686 of the KCNH2 protein (p.Phe686Leu). The phenylalanine residue is highly conserved and there is a small physicochemical difference between phenylalanine and leucine. This variant is not present in population databases (ExAC no frequency). This variant has not been reported in the literature in individuals with KCNH2-related conditions. Algorithms developed to predict the effect of missense changes on protein structure and function are either unavailable or do not agree on the potential impact of this missense change (SIFT: "Deleterious"; PolyPhen-2: "Probably Damaging"; Align-GVGD: "Class C15"). In summary, the available evidence is currently insufficient to determine the role of this variant in disease. Therefore, it has been classified as a Variant of Uncertain Significance.

NM_000238.4(KCNH2):c.2058C>A (p.Phe686Leu)

Gene: KCNH2 (potassium voltage-gated channel subfamily H member 2; minus strand). Cytogenetic location: 7q36.1.
Variant type: single nucleotide variant.
Coding change: c.2058C>A on transcript NM_000238.4 (MANE Select); coding-DNA position 2058, C replaced by A.
Protein change: p.Phe686Leu; replaces phenylalanine 686 with leucine.
Molecular consequence: missense variant.
Genome position (GRCh38, 1-based): chr7:150,951,008, G>T on the plus strand (C>A on the coding strand, the complement: KCNH2 is on the minus strand). VCF-style: chr7-150951008-G-T. GRCh37 (hg19) VCF-style: chr7-150648096-G-T.
Other names: c.1038C>A, p.Phe346Leu (NM_001204798.2, NM_172057.3); c.1770C>A, p.Phe590Leu (NM_001406753.1, NM_001406756.1); c.1881C>A, p.Phe627Leu (NM_001406755.1); c.1758C>A, p.Phe586Leu (NM_001406757.1); c.2058C>A, p.Phe686Leu (NM_172056.3); short protein forms F346L, F686L, F586L, F590L, F627L.
Identifiers: ClinVar variation 1467556 (VCV001467556.9), dbSNP rs2116955057, ClinGen allele CA369857565.